The following is an entry in ClinVar:

ClinVar aggregate classification (germline): Uncertain significance. Review status: criteria provided, multiple submitters, no conflicts (2 of 4 stars). 4 submissions from 4 submitters: Uncertain significance (4). Last evaluated 2025-05-21.

Conditions:
Catecholaminergic polymorphic ventricular tachycardia 1. Also called: VENTRICULAR TACHYCARDIA, STRESS-INDUCED POLYMORPHIC 1; VENTRICULAR TACHYCARDIA, CATECHOLAMINERGIC POLYMORPHIC, 1, WITH OR WITHOUT ATRIAL DYSFUNCTION AND/OR DILATED CARDIOMYOPATHY; RYR2-Related Catecholaminergic Polymorphic Ventricular Tachycardia. Identifiers: Orphanet 3286, MedGen C1631597, MONDO:0011484, OMIM 604772.
Arrhythmogenic right ventricular dysplasia 2. Identifiers: MedGen C1832931.
Catecholaminergic polymorphic ventricular tachycardia (CVPT). Also called: Catecholamine-induced polymorphic ventricular tachycardia. Identifiers: Orphanet 3286, MedGen C5574922, MONDO:0017990.
Cardiomyopathy (CMYO). Also called: Cardiomyopathies. Identifiers: Orphanet 167848, MedGen C0878544, MONDO:0004994, HP:0001638. Inheritance: Various modes of inheritance.

Allele frequency attached by ClinVar (database versions not stated): gnomAD exomes below 0.00001; TOPMed below 0.00001; gnomAD 0.00001.
gnomAD v4.1: 6 of 1,613,548 alleles (0.00037%); highest among the groups gnomAD compares: African/African-American, 0.004%; no homozygotes.

Submissions (4):

GeneDx
Classification: Uncertain significance. Last evaluated: 2025-05-21. Review status: criteria provided, single submitter. Criteria: GeneDx Variant Classification Process June 2021. Collection method: clinical testing. Allele origin: germline. Affected: yes.
Comment: Not observed at significant frequency in large population cohorts (gnomAD); In silico analysis suggests that this missense variant does not alter protein structure/function; Located in one of the three hot-spot regions of the RYR2 gene, where the majority of pathogenic missense variants occur (PMID: 19926015); Has not been previously published as pathogenic or benign to our knowledge; This variant is associated with the following publications: (PMID: 19926015)

All of Us Research Program, National Institutes of Health
Classification: Uncertain significance for Catecholaminergic polymorphic ventricular tachycardia. Last evaluated: 2023-04-03. Review status: criteria provided, single submitter. Criteria: ACMG Guidelines, 2015. Collection method: clinical testing. Allele origin: germline. Inheritance: Autosomal dominant inheritance. Observed: 1 variant allele, 1 heterozygote.
Comment: This missense variant replaces isoleucine with threonine at codon 4554 of the RYR2 protein. Computational prediction suggests that this variant may not impact protein structure and function (internally defined REVEL score threshold <= 0.5, PMID: 27666373). To our knowledge, functional studies have not been reported for this variant. This variant has not been reported in individuals affected with cardiovascular disorders in the literature. This variant has not been identified in the general population by the Genome Aggregation Database (gnomAD). The available evidence is insufficient to determine the role of this variant in disease conclusively. Therefore, this variant is classified as a Variant of Uncertain Significance.

This study involves interpretation of variants in research participants for the purpose of population health screening. Participant phenotype was not available at the time of variant classification. Additional details can be found in publication PMID: 35346344, PMCID: PMC8962531

Color Diagnostics, LLC DBA Color Health
Classification: Uncertain significance for Cardiomyopathy. Last evaluated: 2023-03-16. Review status: criteria provided, single submitter. Criteria: ACMG Guidelines, 2015. Collection method: clinical testing. Allele origin: germline.
Comment: This missense variant replaces isoleucine with threonine at codon 4554 of the RYR2 protein. Computational prediction suggests that this variant may not impact protein structure and function (internally defined REVEL score threshold <= 0.5, PMID: 27666373). To our knowledge, functional studies have not been reported for this variant. This variant has not been reported in individuals affected with cardiovascular disorders in the literature. This variant has not been identified in the general population by the Genome Aggregation Database (gnomAD). The available evidence is insufficient to determine the role of this variant in disease conclusively. Therefore, this variant is classified as a Variant of Uncertain Significance.

Labcorp Genetics (formerly Invitae), Labcorp
Classification: Uncertain significance for Catecholaminergic polymorphic ventricular tachycardia 1. Last evaluated: 2022-02-08. Review status: criteria provided, single submitter. Criteria: Invitae Variant Classification Sherloc (09022015). Collection method: clinical testing. Allele origin: germline.
Comment: This sequence change replaces isoleucine, which is neutral and non-polar, with threonine, which is neutral and polar, at codon 4554 of the RYR2 protein (p.Ile4554Thr). This variant is not present in population databases (gnomAD no frequency). This variant has not been reported in the literature in individuals affected with RYR2-related conditions. ClinVar contains an entry for this variant (Variation ID: 1171828). Advanced modeling of protein sequence and biophysical properties (such as structural, functional, and spatial information, amino acid conservation, physicochemical variation, residue mobility, and thermodynamic stability) performed at Invitae indicates that this missense variant is not expected to disrupt RYR2 protein function. In summary, the available evidence is currently insufficient to determine the role of this variant in disease. Therefore, it has been classified as a Variant of Uncertain Significance.

NM_001035.3(RYR2):c.13661T>C (p.Ile4554Thr)

Gene: RYR2 (ryanodine receptor 2; plus strand). Cytogenetic location: 1q43.
Variant type: single nucleotide variant.
Coding change: c.13661T>C on transcript NM_001035.3 (MANE Select); coding-DNA position 13661, T replaced by C.
Protein change: p.Ile4554Thr; replaces isoleucine 4554 with threonine.
Molecular consequence: missense variant.
Genome position (GRCh38, 1-based): chr1:237,792,202, T>C. VCF-style: chr1-237792202-T-C. GRCh37 (hg19) VCF-style: chr1-237955502-T-C.
Other names: c.13661T>C (NM_001035.2); short protein forms I4554T.
Identifiers: ClinVar variation 1171828 (VCV001171828.14), dbSNP rs1234650666, ClinGen allele CA345417464.